The following is an entry in ClinVar:

ClinVar aggregate classification (germline): Uncertain significance (1 of 4 stars; one submission).

Conditions:
Cardiovascular phenotype. Identifiers: MedGen CN230736.

gnomAD v4.1: 1 of 1,614,014 alleles (0.000062%); highest among the groups gnomAD compares: Non-Finnish European, 0.000085%; no homozygotes.

Submission:

Ambry Genetics
Classification: Uncertain significance for Cardiovascular phenotype. Last evaluated: 2025-10-24. Review status: criteria provided, single submitter. Criteria: Ambry Variant Classification Scheme 2023. Collection method: clinical testing. Allele origin: germline.
Comment: The p.I519V variant (also known as c.1555A>G), located in coding exon 12 of the VCL gene, results from an A to G substitution at nucleotide position 1555. The isoleucine at codon 519 is replaced by valine, an amino acid with highly similar properties. This amino acid position is highly conserved in available vertebrate species. In addition, the in silico prediction for this alteration is inconclusive. Based on the available evidence, the clinical significance of this variant remains unclear.

NM_014000.3(VCL):c.1555A>G (p.Ile519Val)

Gene: VCL (vinculin; plus strand). Cytogenetic location: 10q22.2.
Variant type: single nucleotide variant.
Coding change: c.1555A>G on transcript NM_014000.3 (MANE Select); coding-DNA position 1555, A replaced by G.
Protein change: p.Ile519Val; replaces isoleucine 519 with valine.
Molecular consequence: missense variant.
Genome position (GRCh38, 1-based): chr10:74,095,667, A>G. VCF-style: chr10-74095667-A-G. GRCh37 (hg19) VCF-style: chr10-75855425-A-G.
Other names: c.1555A>G, p.Ile519Val (NM_003373.4); short protein forms I519V.
Identifiers: ClinVar variation 3814838 (VCV003814838.2).